The following is an entry in ClinVar:

ClinVar aggregate classification (germline): Likely pathogenic (1 of 4 stars; one submission).

Conditions:
X-linked Alport syndrome (ATS1). Also called: NEPHROPATHY AND DEAFNESS, X-LINKED; COL4A5-Related Nephropathy. Identifiers: Orphanet 63, Orphanet 88917, MedGen C4746986, MONDO:0010520, OMIM 301050.

Submission:

ARUP Laboratories, Molecular Genetics and Genomics, ARUP Laboratories
Classification: Likely pathogenic for X-linked Alport syndrome. Last evaluated: 2023-09-21. Review status: criteria provided, single submitter. Criteria: ARUP Molecular Germline Variant Investigation Process 2024. Collection method: clinical testing. Allele origin: germline.
Comment: The COL4A5 c.4874_4877del; p.Arg1625GlnfsTer27 variant, to our knowledge, is not reported in the medical literature or gene specific databases. This variant is also absent from the Genome Aggregation Database, indicating it is not a common polymorphism. This variant causes a frameshift by deleting four nucleotides, so it is predicted to result in a truncated protein or mRNA subject to nonsense-mediated decay. Based on available information, this variant is considered to be likely pathogenic.

NM_033380.3(COL4A5):c.4892_4895del (p.Arg1631fs)

Gene: COL4A5 (collagen type IV alpha 5 chain; plus strand). Cytogenetic location: Xq22.3.
Variant type: Deletion.
Coding change: c.4892_4895del on transcript NM_033380.3 (MANE Select); coding-DNA positions 4892 to 4895, 4 bases deleted (GTTC; older notation c.4892_4895delGTTC).
Protein change: p.Arg1631fs; shifts the reading frame from arginine 1631.
Molecular consequence: frameshift variant.
Genome position (GRCh38, 1-based): chrX:108,695,337-108,695,340, GTTC deleted; deleting any 4 consecutive bases within chrX:108,695,334-108,695,340 gives the same sequence; the c. name uses the placement nearest the transcript's 3' end. VCF-style (leftmost placement, unchanged base first): chrX-108695333-TTTCG-T. GRCh37 (hg19) VCF-style: chrX-107938563-TTTCG-T.
Other names: c.4874_4877del, p.Arg1625fs (NM_000495.5); short protein forms R1625fs, R1631fs.
Identifiers: ClinVar variation 2921075 (VCV002921075.1), dbSNP rs2524653885, ClinGen allele CA2739273724.